The following is an entry in ClinVar:

NM_002439.5(MSH3):c.2164G>T (p.Val722Phe)

Gene: MSH3 (mutS homolog 3; plus strand). Cytogenetic location: 5q14.1.
Variant type: single nucleotide variant.
Coding change: c.2164G>T on transcript NM_002439.5 (MANE Select); coding-DNA position 2164, G replaced by T.
Protein change: p.Val722Phe; replaces valine 722 with phenylalanine.
Molecular consequence: missense variant.
Genome position (GRCh38, 1-based): chr5:80,768,914, G>T. VCF-style: chr5-80768914-G-T. GRCh37 (hg19) VCF-style: chr5-80064733-G-T.
Other names: c.2164G>T (NM_002439.4); short protein forms V722F.
Identifiers: ClinVar variation 1039231 (VCV001039231.10), dbSNP rs766237486, ClinGen allele CA3328151.
Genomic context (GRCh38, chr5:80,768,914, plus strand): 5'-TTATTTAAAGACCTTTCTGACTTCCCTTTAATAAAAAAGAGGAAGGATGAAATTCAAGGT[G>T]TTATTGACGAGATCCGAATGCATTTGCAAGAAATACGAAAAATACTAAAAAATCCTTCTG-3'
Protein context (NP_002430.3, residues 712-732): IKKRKDEIQG[Val722Phe]IDEIRMHLQE

ClinVar aggregate classification (germline): Uncertain significance. Review status: criteria provided, multiple submitters, no conflicts (2 of 4 stars). 3 submissions from 3 submitters: Uncertain significance (3). Last evaluated 2025-04-02.

Conditions:
Hereditary cancer-predisposing syndrome. Also called: Neoplastic Syndromes, Hereditary; Hereditary Cancer Syndrome; Tumor predisposition; Hereditary neoplastic syndrome. Identifiers: Orphanet 140162, MedGen C0027672, MeSH D009386, MONDO:0015356.

Allele frequency attached by ClinVar (database versions not stated): gnomAD exomes below 0.00001; TOPMed below 0.00001; ExAC 0.00001; gnomAD 0.00001.
gnomAD v4.1: 4 of 1,612,354 alleles (0.00025%); highest among the groups gnomAD compares: Non-Finnish European, 0.00025%; no homozygotes.

Submissions (3):

Labcorp Genetics (formerly Invitae), Labcorp
Classification: Uncertain significance. Last evaluated: 2025-04-02. Review status: criteria provided, single submitter. Criteria: Invitae Variant Classification Sherloc (09022015). Collection method: clinical testing. Allele origin: germline.
Comment: This sequence change replaces valine, which is neutral and non-polar, with phenylalanine, which is neutral and non-polar, at codon 722 of the MSH3 protein (p.Val722Phe). This variant is not present in population databases (gnomAD no frequency). This variant has not been reported in the literature in individuals affected with MSH3-related conditions. ClinVar contains an entry for this variant (Variation ID: 1039231). An algorithm developed to predict the effect of missense changes on protein structure and function (PolyPhen-2) suggests that this variant is likely to be disruptive. In summary, the available evidence is currently insufficient to determine the role of this variant in disease. Therefore, it has been classified as a Variant of Uncertain Significance.

Quest Diagnostics Nichols Institute San Juan Capistrano
Classification: Uncertain significance. Last evaluated: 2024-01-26. Review status: criteria provided, single submitter. Criteria: Quest Diagnostics criteria. Collection method: clinical testing. Allele origin: unknown.
Comment: The MSH3 c.2164G>T (p.Val722Phe) variant has not been reported in individuals with MSH3-related conditions in the published literature. The frequency of this variant in the general population, 0.000004 (1/250936 chromosomes (Genome Aggregation Database)), is uninformative in the assessment of its pathogenicity. Analysis of this variant using a bioinformatics tool (PolyPhen-2) for the prediction of the effect of amino acid changes on protein structure and function yielded conflicting predictions that this variant is damaging. Based on the available information, we are unable to determine the clinical significance of this variant.

Ambry Genetics
Classification: Uncertain significance for Hereditary cancer-predisposing syndrome. Last evaluated: 2023-08-25. Review status: criteria provided, single submitter. Criteria: Ambry Variant Classification Scheme 2023. Collection method: clinical testing. Allele origin: germline.
Comment: The p.V722F variant (also known as c.2164G>T), located in coding exon 15 of the MSH3 gene, results from a G to T substitution at nucleotide position 2164. The valine at codon 722 is replaced by phenylalanine, an amino acid with highly similar properties. This amino acid position is conserved. In addition, the in silico prediction for this alteration is inconclusive. Since supporting evidence is limited at this time, the clinical significance of this alteration remains unclear.